The following is an entry in ClinVar:

ClinVar aggregate classification (germline): Benign (1 of 4 stars; one submission).

Conditions:
Thyroid hormone resistance, generalized, autosomal dominant (GRTHD). Also called: HYPERTHYROXINEMIA, FAMILIAL EUTHYROID, SECONDARY TO PITUITARY AND PERIPHERAL RESISTANCE TO THYROID HORMONES. Identifiers: MedGen C2937288, MONDO:0008569, OMIM 188570.

Allele frequency attached by ClinVar (database versions not stated): 1000 Genomes Project 0.00280; 1000 Genomes Project 30x 0.00281; gnomAD 0.00333 and 0.00342; TOPMed 0.00344.

Submission:

Illumina Laboratory Services, Illumina
Classification: Benign for Thyroid hormone resistance, generalized, autosomal dominant. Last evaluated: 2018-01-13. Review status: criteria provided, single submitter. Criteria: ICSL Variant Classification Criteria 13 December 2019. Collection method: clinical testing. Allele origin: germline.
Comment: This variant was observed in the ICSL laboratory as part of a predisposition screen in an ostensibly healthy population. It had not been previously curated by ICSL or reported in the Human Gene Mutation Database (HGMD: prior to June 1st, 2018), and was therefore a candidate for classification through an automated scoring system. Utilizing variant allele frequency, disease prevalence and penetrance estimates, and inheritance mode, an automated score was calculated to assess if this variant is too frequent to cause the disease. Based on the score and internal cut-off values, a variant classified as benign is not then subjected to further curation. The score for this variant resulted in a classification of benign for this disease.

NM_001354712.2(THRB):c.*4129C>G

Gene: THRB (thyroid hormone receptor beta; minus strand). Cytogenetic location: 3p24.2.
Variant type: single nucleotide variant.
Coding change: c.*4129C>G on transcript NM_001354712.2 (MANE Select); 4129 bases downstream of the stop codon, C replaced by G.
Molecular consequence: 3 prime UTR variant.
Genome position (GRCh38, 1-based): chr3:24,118,755, G>C on the plus strand (C>G on the coding strand, the complement: THRB is on the minus strand). VCF-style: chr3-24118755-G-C. GRCh37 (hg19) VCF-style: chr3-24160246-G-C.
Other names: c.*4129C>G (NM_000461.5, NM_001128176.3, NM_001128177.2 and 8 more transcripts).
Identifiers: ClinVar variation 344561 (VCV000344561.5), dbSNP rs142926795, ClinGen allele CA10615513.